The following is an entry in ClinVar:

NM_170707.4(LMNA):c.765G>A (p.Gln255=)

Gene: LMNA (lamin A/C; plus strand). Cytogenetic location: 1q22.
Variant type: single nucleotide variant.
Coding change: c.765G>A on transcript NM_170707.4 (MANE Select); coding-DNA position 765, G replaced by A.
Protein change: p.Gln255=; no amino-acid change (glutamine 255 retained).
Molecular consequence: synonymous variant.
Genome position (GRCh38, 1-based): chr1:156,134,930, G>A. VCF-style: chr1-156134930-G-A. GRCh37 (hg19) VCF-style: chr1-156104721-G-A.
Other names: c.429G>A, p.Gln143= (NM_001257374.3); c.522G>A, p.Gln174= (NM_001282624.2); c.765G>A, p.Gln255= (NM_001282625.2, NM_001282626.2, NM_005572.4 and 1 more transcripts).
Identifiers: ClinVar variation 923178 (VCV000923178.10), dbSNP rs1651412868, ClinGen allele CA421068512.
Genomic context (GRCh38, chr1:156,134,930, plus strand): 5'-TGAGTTTGAGAGCCGGCTGGCGGATGCGCTGCAGGAACTGCGGGCCCAGCATGAGGACCA[G>A]GTGGAGCAGTATAAGAAGGAGCTGGAGAAGACTTATTCTGCCAAGGTGCTTGCTCTCGAT-3'
Protein context (NP_733821.1, residues 245-265): LQELRAQHED[Gln255=]VEQYKKELEK

ClinVar aggregate classification (germline): Likely benign. Review status: criteria provided, multiple submitters, no conflicts (2 of 4 stars). 3 submissions from 3 submitters: Likely benign (3). Last evaluated 2024-10-07.

Conditions:
Cardiomyopathy (CMYO). Also called: Cardiomyopathies. Identifiers: Orphanet 167848, MedGen C0878544, MONDO:0004994, HP:0001638. Inheritance: Various modes of inheritance.
Primary dilated cardiomyopathy (DCM). Also called: Dilated Cardiomyopathy. Identifiers: Orphanet 217604, MedGen C0007193, MeSH D002311, MONDO:0005021, HP:0001644. Inheritance: Various modes of inheritance.
Charcot-Marie-Tooth disease type 2. Also called: Charcot-Marie-Tooth type 2. Identifiers: Orphanet 64746, MedGen C0270914, MONDO:0018993.

Allele frequency attached by ClinVar (database versions not stated): gnomAD exomes below 0.00001.
gnomAD v4.1: 1 of 1,614,252 alleles (0.000062%); highest among the groups gnomAD compares: Non-Finnish European, 0.000085%; no homozygotes.

Submissions (3):

Labcorp Genetics (formerly Invitae), Labcorp
Classification: Likely benign for Charcot-Marie-Tooth disease type 2. Last evaluated: 2024-10-07. Review status: criteria provided, single submitter. Criteria: Invitae Variant Classification Sherloc (09022015). Collection method: clinical testing. Allele origin: germline.

All of Us Research Program, National Institutes of Health
Classification: Likely benign for Primary dilated cardiomyopathy. Last evaluated: 2023-04-03. Review status: criteria provided, single submitter. Criteria: ACMG Guidelines, 2015. Collection method: clinical testing. Allele origin: germline. Inheritance: Autosomal dominant inheritance. Observed: 1 variant allele, 1 heterozygote.
Comment: This study involves interpretation of variants in research participants for the purpose of population health screening. Participant phenotype was not available at the time of variant classification. Additional details can be found in publication PMID: 35346344, PMCID: PMC8962531

Color Diagnostics, LLC DBA Color Health
Classification: Likely benign for Cardiomyopathy. Last evaluated: 2019-12-02. Review status: criteria provided, single submitter. Criteria: ACMG Guidelines, 2015. Collection method: clinical testing. Allele origin: germline.